The following is an entry in ClinVar:

NM_002860.4(ALDH18A1):c.89-3C>T

Gene: ALDH18A1 (aldehyde dehydrogenase 18 family member A1; minus strand). Cytogenetic location: 10q24.1.
Variant type: single nucleotide variant.
Coding change: c.89-3C>T on transcript NM_002860.4 (MANE Select); 3 bases into the intron before coding-DNA position 89, C replaced by T.
Molecular consequence: intron variant.
Genome position (GRCh38, 1-based): chr10:95,643,209, G>A on the plus strand (C>T on the coding strand, the complement: ALDH18A1 is on the minus strand). VCF-style: chr10-95643209-G-A. GRCh37 (hg19) VCF-style: chr10-97402966-G-A.
Other names: c.-78-9560C>T (NM_001323419.2); c.-30-5773C>T (NM_001323412.2, NM_001323418.2, NM_001323416.2); c.89-3C>T (NM_001323417.2, NM_001017423.2, NM_001323415.2 and 2 more transcripts).
Identifiers: ClinVar variation 1941120 (VCV001941120.5), dbSNP rs2526937524, ClinGen allele CA2574625168.

ClinVar aggregate classification (germline): Uncertain significance (1 of 4 stars; one submission).

Conditions:
Cutis laxa, autosomal dominant 3 (ADCL3). Identifiers: Orphanet 90348, MedGen C4225268, MONDO:0014706, OMIM 616603.
Autosomal dominant spastic paraplegia type 9. Identifiers: MedGen C1832669, MONDO:0015091.
de Barsy syndrome. Also called: Cutis laxa-corneal clouding-oligophrenia syndrome. Identifiers: Orphanet 2962, MedGen C0268354, MONDO:0017569.

Allele frequency attached by ClinVar (database versions not stated): gnomAD exomes 0.00001.
gnomAD v4.1: 3 of 1,614,002 alleles (0.00019%); highest among the groups gnomAD compares: Non-Finnish European, 0.00025%; no homozygotes.

Submission:

Labcorp Genetics (formerly Invitae), Labcorp
Classification: Uncertain significance for Autosomal dominant spastic paraplegia type 9; de Barsy syndrome; Cutis laxa, autosomal dominant 3. Last evaluated: 2024-04-29. Review status: criteria provided, single submitter. Criteria: Invitae Variant Classification Sherloc (09022015). Collection method: clinical testing. Allele origin: germline.
Comment: This sequence change falls in intron 2 of the ALDH18A1 gene. It does not directly change the encoded amino acid sequence of the ALDH18A1 protein. It affects a nucleotide within the consensus splice site. This variant is not present in population databases (gnomAD no frequency). This variant has not been reported in the literature in individuals affected with ALDH18A1-related conditions. ClinVar contains an entry for this variant (Variation ID: 1941120). Variants that disrupt the consensus splice site are a relatively common cause of aberrant splicing (PMID: 17576681, 9536098). Algorithms developed to predict the effect of sequence changes on RNA splicing suggest that this variant is not likely to affect RNA splicing. In summary, the available evidence is currently insufficient to determine the role of this variant in disease. Therefore, it has been classified as a Variant of Uncertain Significance.

Literature cited by the submitters: PubMed 17576681; PubMed 9536098.